The following is an entry in ClinVar:

NM_144997.7(FLCN):c.1662G>T (p.Met554Ile)

Gene: FLCN (folliculin; minus strand). Cytogenetic location: 17p11.2.
Variant type: single nucleotide variant.
Coding change: c.1662G>T on transcript NM_144997.7 (MANE Select); coding-DNA position 1662, G replaced by T.
Protein change: p.Met554Ile; replaces methionine 554 with isoleucine.
Molecular consequence: missense variant.
Genome position (GRCh38, 1-based): chr17:17,213,733, C>A on the plus strand (G>T on the coding strand, the complement: FLCN is on the minus strand). VCF-style: chr17-17213733-C-A. GRCh37 (hg19) VCF-style: chr17-17117047-C-A.
Other names: c.1716G>T, p.Met572Ile (NM_001353229.2); c.1662G>T, p.Met554Ile (NM_001353230.2, NM_001353231.2); short protein forms M572I, M554I.
Identifiers: ClinVar variation 3662349 (VCV003662349.2).

ClinVar aggregate classification (germline): Uncertain significance (1 of 4 stars; one submission).

Conditions:
Birt-Hogg-Dube syndrome. Also called: Birt Hogg Dubé syndrome. Identifiers: Orphanet 122, MedGen C0346010, MONDO:0800444.

Submission:

Labcorp Genetics (formerly Invitae), Labcorp
Classification: Uncertain significance for Birt-Hogg-Dube syndrome. Last evaluated: 2024-08-14. Review status: criteria provided, single submitter. Criteria: Invitae Variant Classification Sherloc (09022015). Collection method: clinical testing. Allele origin: germline.
Comment: This sequence change replaces methionine, which is neutral and non-polar, with isoleucine, which is neutral and non-polar, at codon 554 of the FLCN protein (p.Met554Ile). This variant is not present in population databases (gnomAD no frequency). This variant has not been reported in the literature in individuals affected with FLCN-related conditions. Invitae Evidence Modeling of protein sequence and biophysical properties (such as structural, functional, and spatial information, amino acid conservation, physicochemical variation, residue mobility, and thermodynamic stability) indicates that this missense variant is not expected to disrupt FLCN protein function with a negative predictive value of 80%. In summary, the available evidence is currently insufficient to determine the role of this variant in disease. Therefore, it has been classified as a Variant of Uncertain Significance.